The following is an entry in ClinVar:

ClinVar aggregate classification (germline): Likely benign. Review status: criteria provided, multiple submitters, no conflicts (2 of 4 stars). 3 submissions from 3 submitters: Likely benign (2). 1 of the submissions does not count toward it. Last evaluated 2025-07-01.

Conditions:
Spastic paraplegia. Identifiers: MedGen C0037772, HP:0001258.
CYP7B1-related disorder. Also called: CYP7B1-related condition.

Allele frequency attached by ClinVar (database versions not stated): ExAC 0.00002; gnomAD exomes 0.00003 and 0.00008; gnomAD 0.00004; TOPMed 0.00004.
gnomAD v4.1: 129 of 1,613,678 alleles (0.008%); highest among the groups gnomAD compares: Non-Finnish European, 0.0097%; no homozygotes.

Submissions (3):

CeGaT Center for Human Genetics Tuebingen
Classification: Likely benign. Last evaluated: 2025-07-01. Review status: criteria provided, single submitter. Criteria: CeGaT Center For Human Genetics Tuebingen Variant Classification Criteria Version 2. Collection method: clinical testing. Allele origin: germline. Affected: yes. Observed: 1 variant allele.
Comment: CYP7B1: BP4, BP7

Labcorp Genetics (formerly Invitae), Labcorp
Classification: Likely benign for Spastic paraplegia. Last evaluated: 2024-11-07. Review status: criteria provided, single submitter. Criteria: Invitae Variant Classification Sherloc (09022015). Collection method: clinical testing. Allele origin: germline.

PreventionGenetics, part of Exact Sciences
Classification: Likely benign for CYP7B1-related condition. Last evaluated: 2019-08-29. Review status: no assertion criteria provided. Collection method: clinical testing. Allele origin: germline. Not counted in ClinVar's aggregate classification.
Comment: This variant is classified as likely benign based on ACMG/AMP sequence variant interpretation guidelines (Richards et al. 2015 PMID: 25741868, with internal and published modifications).

NM_004820.5(CYP7B1):c.142T>C (p.Leu48=)

Gene: CYP7B1 (cytochrome P450 family 7 subfamily B member 1; minus strand). Cytogenetic location: 8q12.3.
Variant type: single nucleotide variant.
Coding change: c.142T>C on transcript NM_004820.5 (MANE Select); coding-DNA position 142, T replaced by C.
Protein change: p.Leu48=; no amino-acid change (leucine 48 retained).
Molecular consequence: synonymous variant.
Genome position (GRCh38, 1-based): chr8:64,624,520, A>G on the plus strand (T>C on the coding strand, the complement: CYP7B1 is on the minus strand). VCF-style: chr8-64624520-A-G. GRCh37 (hg19) VCF-style: chr8-65537077-A-G.
Other names: c.142T>C (NM_004820.4); c.142T>C, p.Leu48= (NM_001324112.2).
Identifiers: ClinVar variation 528021 (VCV000528021.18), dbSNP rs767850063, ClinGen allele CA4764284.